The following is an entry in ClinVar:

NM_000492.4(CFTR):c.172G>A (p.Asp58Asn)

Genes: CFTR (CF transmembrane conductance regulator; plus strand), LOC113664106 (CFTR intron 2 DNase I hypersensitive site; plus strand). Cytogenetic location: 7q31.2.
Variant type: single nucleotide variant.
Coding change: c.172G>A on transcript NM_000492.4 (MANE Select); coding-DNA position 172, G replaced by A.
Protein change: p.Asp58Asn; replaces aspartic acid 58 with asparagine.
Molecular consequence: missense variant.
Genome position (GRCh38, 1-based): chr7:117,509,041, G>A. VCF-style: chr7-117509041-G-A. GRCh37 (hg19) VCF-style: chr7-117149095-G-A.
Other names: short protein forms D58N.
Identifiers: ClinVar variation 53361 (VCV000053361.3), dbSNP rs397508285, ClinGen allele CA326636.
Genomic context (GRCh38, chr7:117,509,041, plus strand): 5'-ACTAAAATATTTGCACATGCAACTTATTGGTCCCACTTTTTATTCTTTTGCAGAGAATGG[G>A]ATAGAGAGCTGGCTTCAAAGAAAAATCCTAAACTCATTAATGCCCTTCGGCGATGTTTTT-3'
Protein context (NP_000483.3, residues 48-68): NLSEKLEREW[Asp58Asn]RELASKKNPK

ClinVar aggregate classification (germline): Likely pathogenic. Review status: criteria provided, single submitter (1 of 4 stars). 2 submissions from 2 submitters: Likely pathogenic (1). 1 of the submissions does not count toward it. Last evaluated 2025-01-09.

Conditions:
Congenital bilateral aplasia of vas deferens from CFTR mutation (CBAVD). Identifiers: Orphanet 48, MedGen C0403814, MONDO:0010178, OMIM 277180. Disease mechanism: loss of function.
Cystic fibrosis (CF). Also called: MUCOVISCIDOSIS. Identifiers: Orphanet 586, MedGen C0010674, MONDO:0009061, OMIM 219700. Disease mechanism: loss of function.

gnomAD v4.1: 1 of 1,603,778 alleles (0.000062%); highest among the groups gnomAD compares: South Asian, 0.0011%; no homozygotes.

Submissions (2):

Women's Health and Genetics/Laboratory Corporation of America, LabCorp
Classification: Likely pathogenic for Congenital bilateral aplasia of vas deferens from CFTR mutation. Last evaluated: 2025-01-09. Review status: criteria provided, single submitter. Criteria: LabCorp Variant Classification Summary - May 2015. Collection method: clinical testing. Allele origin: germline.
Comment: Variant summary: CFTR c.172G>A (p.Asp58Asn) results in a conservative amino acid change located in the ABC transporter type 1, transmembrane domain of the encoded protein sequence. Four of five in-silico tools predict a damaging effect of the variant on protein function. The variant was absent in 250782 control chromosomes. c.172G>A has been reported in the literature in at least one individual affected with Congenital Bilateral Absence Of The Vas Deferens (example: Doerk_1997). At least one publication reports experimental evidence evaluating an impact on protein function. The most pronounced variant effect results in lower macroscopic currents in Xenopus oocytes (Fu_2001). The following publications have been ascertained in the context of this evaluation (PMID: 11600681, 9272157). ClinVar contains an entry for this variant (Variation ID: 53361). Based on the evidence outlined above, the variant was classified as likely pathogenic.

ClinVar Staff, National Center for Biotechnology Information (NCBI)
No classification provided. Condition: CFTR-related disorders. Review status: no classification provided. Collection method: literature only. Allele origin: germline. Affected: yes. Not counted in ClinVar's aggregate classification.

Literature cited by the submitters: PubMed 9272157 (cited by Women's Health and Genetics/Laboratory Corporation of America, LabCorp and ClinVar Staff, National Center for Biotechnology Information (NCBI)); PubMed 11600681 (cited by Women's Health and Genetics/Laboratory Corporation of America, LabCorp).